The following is an entry in ClinVar:

NM_014975.3(MAST1):c.2692G>T (p.Val898Leu)

Gene: MAST1 (microtubule associated serine/threonine kinase 1; plus strand). Cytogenetic location: 19p13.13.
Variant type: single nucleotide variant.
Coding change: c.2692G>T on transcript NM_014975.3 (MANE Select); coding-DNA position 2692, G replaced by T.
Protein change: p.Val898Leu; replaces valine 898 with leucine.
Molecular consequence: missense variant.
Genome position (GRCh38, 1-based): chr19:12,868,768, G>T. VCF-style: chr19-12868768-G-T. GRCh37 (hg19) VCF-style: chr19-12979582-G-T.
Other names: short protein forms V898L.
Identifiers: ClinVar variation 3383864 (VCV003383864.1).

ClinVar aggregate classification (germline): Uncertain significance (1 of 4 stars; one submission).

gnomAD v4.1: 9 of 1,611,774 alleles (0.00056%); highest among the groups gnomAD compares: Non-Finnish European, 0.00076%; no homozygotes.

Submission:

GeneDx
Classification: Uncertain significance. Last evaluated: 2024-05-30. Review status: criteria provided, single submitter. Criteria: GeneDx Variant Classification Process June 2021. Collection method: clinical testing. Allele origin: germline. Affected: yes.
Comment: Not observed at significant frequency in large population cohorts (gnomAD); In silico analysis indicates that this missense variant does not alter protein structure/function; Has not been previously published as pathogenic or benign to our knowledge